The following is an entry in ClinVar:

NM_001128148.3(TFRC):c.910G>A (p.Gly304Arg)

Gene: TFRC (transferrin receptor; minus strand). Cytogenetic location: 3q29.
Variant type: single nucleotide variant.
Coding change: c.910G>A on transcript NM_001128148.3 (MANE Select); coding-DNA position 910, G replaced by A.
Protein change: p.Gly304Arg; replaces glycine 304 with arginine.
Molecular consequence: missense variant.
Genome position (GRCh38, 1-based): chr3:196,067,648, C>T on the plus strand (G>A on the coding strand, the complement: TFRC is on the minus strand). VCF-style: chr3-196067648-C-T. GRCh37 (hg19) VCF-style: chr3-195794519-C-T.
Other names: c.667G>A, p.Gly223Arg (NM_001313965.2); c.64G>A, p.Gly22Arg (NM_001313966.2); c.910G>A, p.Gly304Arg (NM_003234.4); short protein forms G223R, G22R, G304R.
Identifiers: ClinVar variation 1714082 (VCV001714082.5), dbSNP rs2473973833, ClinGen allele CA355573279.

ClinVar aggregate classification (germline): Uncertain significance (1 of 4 stars; one submission).

Allele frequency attached by ClinVar (database versions not stated): gnomAD exomes below 0.00001.
gnomAD v4.1: 1 of 1,613,048 alleles (0.000062%); highest among the groups gnomAD compares: Non-Finnish European, 0.000085%; no homozygotes.

Submission:

Labcorp Genetics (formerly Invitae), Labcorp
Classification: Uncertain significance. Last evaluated: 2022-07-29. Review status: criteria provided, single submitter. Criteria: Invitae Variant Classification Sherloc (09022015). Collection method: clinical testing. Allele origin: germline.
Comment: This sequence change replaces glycine, which is neutral and non-polar, with arginine, which is basic and polar, at codon 304 of the TFRC protein (p.Gly304Arg). This variant is not present in population databases (gnomAD no frequency). This variant has not been reported in the literature in individuals affected with TFRC-related conditions. Algorithms developed to predict the effect of missense changes on protein structure and function (SIFT, PolyPhen-2, Align-GVGD) all suggest that this variant is likely to be disruptive. In summary, the available evidence is currently insufficient to determine the role of this variant in disease. Therefore, it has been classified as a Variant of Uncertain Significance.